The following is an entry in ClinVar:

ClinVar aggregate classification (germline): Uncertain significance (1 of 4 stars; one submission).

Conditions:
MEGF8-related Carpenter syndrome. Also called: Carpenter syndrome 2. Identifiers: Orphanet 65759, MedGen C3554247, MONDO:0013998, OMIM 614976.

Submission:

Labcorp Genetics (formerly Invitae), Labcorp
Classification: Uncertain significance for MEGF8-related Carpenter syndrome. Last evaluated: 2022-07-19. Review status: criteria provided, single submitter. Criteria: Invitae Variant Classification Sherloc (09022015). Collection method: clinical testing. Allele origin: germline.
Comment: In summary, the available evidence is currently insufficient to determine the role of this variant in disease. Therefore, it has been classified as a Variant of Uncertain Significance. Algorithms developed to predict the effect of missense changes on protein structure and function are either unavailable or do not agree on the potential impact of this missense change (SIFT: "Deleterious"; PolyPhen-2: "Probably Damaging"; Align-GVGD: "Class C0"). ClinVar contains an entry for this variant (Variation ID: 1394408). This variant has not been reported in the literature in individuals affected with MEGF8-related conditions. This variant is not present in population databases (gnomAD no frequency). This sequence change replaces proline, which is neutral and non-polar, with threonine, which is neutral and polar, at codon 1806 of the MEGF8 protein (p.Pro1806Thr).

NM_001271938.2(MEGF8):c.5617C>A (p.Pro1873Thr)

Gene: MEGF8 (multiple EGF like domains 8; plus strand). Cytogenetic location: 19q13.2.
Variant type: single nucleotide variant.
Coding change: c.5617C>A on transcript NM_001271938.2 (MANE Select); coding-DNA position 5617, C replaced by A.
Protein change: p.Pro1873Thr; replaces proline 1873 with threonine.
Molecular consequence: missense variant.
Genome position (GRCh38, 1-based): chr19:42,360,903, C>A. VCF-style: chr19-42360903-C-A. GRCh37 (hg19) VCF-style: chr19-42865055-C-A.
Other names: c.5416C>A, p.Pro1806Thr (NM_001410.3); short protein forms P1873T, P1806T.
Identifiers: ClinVar variation 1394408 (VCV001394408.6), dbSNP rs2147493826, ClinGen allele CA406126055.